The following is an entry in ClinVar:

ClinVar aggregate classification (germline): Uncertain significance (1 of 4 stars; one submission).

Conditions:
Nemaline myopathy 2 (NEM2). Also called: Nemaline myopathy 2, autosomal recessive. Identifiers: MedGen C1850569, MONDO:0009725, OMIM 256030.

Allele frequency attached by ClinVar (database versions not stated): gnomAD 0.00001; gnomAD exomes 0.00001; TOPMed 0.00002.
gnomAD v4.1: 18 of 1,613,852 alleles (0.0011%); highest among the groups gnomAD compares: Non-Finnish European, 0.0014%; no homozygotes.

Submission:

Labcorp Genetics (formerly Invitae), Labcorp
Classification: Uncertain significance for Nemaline myopathy 2. Last evaluated: 2022-08-06. Review status: criteria provided, single submitter. Criteria: Invitae Variant Classification Sherloc (09022015). Collection method: clinical testing. Allele origin: germline.
Comment: This sequence change replaces valine, which is neutral and non-polar, with alanine, which is neutral and non-polar, at codon 2689 of the NEB protein (p.Val2689Ala). This variant is present in population databases (no rsID available, gnomAD 0.003%). This variant has not been reported in the literature in individuals affected with NEB-related conditions. ClinVar contains an entry for this variant (Variation ID: 1371468). Algorithms developed to predict the effect of missense changes on protein structure and function are either unavailable or do not agree on the potential impact of this missense change (SIFT: "Deleterious"; PolyPhen-2: "Not Available"; Align-GVGD: "Class C0"). In summary, the available evidence is currently insufficient to determine the role of this variant in disease. Therefore, it has been classified as a Variant of Uncertain Significance.

NM_001164508.2(NEB):c.8066T>C (p.Val2689Ala)

Gene: NEB (nebulin; minus strand). Cytogenetic location: 2q23.3.
Variant type: single nucleotide variant.
Coding change: c.8066T>C on transcript NM_001164508.2 (MANE Select); coding-DNA position 8066, T replaced by C.
Protein change: p.Val2689Ala; replaces valine 2689 with alanine.
Molecular consequence: missense variant.
Genome position (GRCh38, 1-based): chr2:151,643,244, A>G on the plus strand (T>C on the coding strand, the complement: NEB is on the minus strand). VCF-style: chr2-151643244-A-G. GRCh37 (hg19) VCF-style: chr2-152499758-A-G.
Other names: c.8066T>C, p.Val2689Ala (NM_001164507.2, NM_001271208.2, NM_004543.5); short protein forms V2689A.
Identifiers: ClinVar variation 1371468 (VCV001371468.5), dbSNP rs1241788939, ClinGen allele CA348813536.
Genomic context (GRCh38, chr2:151,643,244, plus strand): 5'-ACCATTGGTATGGAATCCATAAGGCTGGAAAACTTAAATTGATCTGGGTGCTGACGGTAA[A>G]CATGGTCACTCAAAATCTGGGTGGCTCGTTTATTTTTCTCATCCTCGAGAGAACCACTAG-3'
Protein context (NP_001157980.2, residues 2679-2699): KRATQILSDH[Val2689Ala]YRQHPDQFKF